The following is an entry in ClinVar:

NM_005458.8(GABBR2):c.2084G>A (p.Ser695Asn)

Gene: GABBR2 (gamma-aminobutyric acid type B receptor subunit 2; minus strand). Cytogenetic location: 9q22.33.
Variant type: single nucleotide variant.
Coding change: c.2084G>A on transcript NM_005458.8 (MANE Select); coding-DNA position 2084, G replaced by A.
Protein change: p.Ser695Asn; replaces serine 695 with asparagine.
Molecular consequence: missense variant.
Genome position (GRCh38, 1-based): chr9:98,306,266, C>T on the plus strand (G>A on the coding strand, the complement: GABBR2 is on the minus strand). VCF-style: chr9-98306266-C-T. GRCh37 (hg19) VCF-style: chr9-101068548-C-T.
Other names: c.2084G>A (NM_005458.7); short protein forms S695N.
Identifiers: ClinVar variation 1691275 (VCV001691275.6), dbSNP rs1554689319, ClinGen allele CA374199856.

ClinVar aggregate classification (germline): Pathogenic/Likely pathogenic. Review status: criteria provided, multiple submitters, no conflicts (2 of 4 stars). 3 submissions from 3 submitters: Pathogenic (1); Likely pathogenic (2). Last evaluated 2023-12-10.

Conditions:
GABBR2-related disorder. Also called: GABBR2-related disorders; GABBR2-related condition.
Neurodevelopmental disorder with poor language and loss of hand skills. Identifiers: MedGen C4693546, MONDO:0060659, OMIM 617903.
Developmental and epileptic encephalopathy, 59. Also called: Early infantile epileptic encephalopathy 59. Identifiers: MedGen C4693550, MONDO:0033368, OMIM 617904.

Submissions (3):

GeneDx
Classification: Pathogenic. Last evaluated: 2023-12-10. Review status: criteria provided, single submitter. Criteria: GeneDx Variant Classification Process June 2021. Collection method: clinical testing. Allele origin: germline. Affected: yes.
Comment: Reported in a patient with infantile epileptic spasm syndrome in the published literature (PMID: 37583270); In silico analysis supports that this missense variant has a deleterious effect on protein structure/function; Not observed at significant frequency in large population cohorts (gnomAD); This variant is associated with the following publications: (PMID: 37583270)

Blueprint Genetics
Classification: Likely pathogenic for GABBR2-related disorders. Last evaluated: 2023-08-31. Review status: criteria provided, single submitter. Criteria: ACMG Guidelines, 2015. Collection method: clinical testing. Allele origin: germline. Affected: yes. Observed: 1 variant allele.

Diagnostics Services (NGS), CSIR - Centre For Cellular And Molecular Biology
Classification: Likely pathogenic for Developmental and epileptic encephalopathy, 59; Neurodevelopmental disorder with poor language and loss of hand skills. Last evaluated: 2022-01-31. Review status: criteria provided, single submitter. Criteria: ACMG Guidelines, 2015. Collection method: clinical testing. Allele origin: unknown. Inheritance: Autosomal dominant inheritance. Affected: yes. Observed: 1 variant allele, 1 heterozygote.
Comment: The c.2084G>A variant is not present in publicly available population databases like 1000 Genomes, Exome Variant Server (EVS), Exome Aggregation Consortium (ExAC), Genome Aggregation Database (gnomAD), dbSNP and Indian Exome Database. The variant is also not present in our in-house exome database. The variant was not reported earlier to ClinVar, Human Genome Mutation Database (HGMD) and OMIM databases in any affected individuals.In-silico pathogenicity prediction programs like SIFT, PolyPhen-2, MutationTaster2, CADD, Varsome etc. predicted this variant to be likely deleterious, however these predictions were not confirmed by any published functional studies. An alternative variant c.2084G>T has been classified as pathogenic by UniProt Variants as per ACMG guidelines previously and reported to databases like Clinvar and HGMD (PMID: 29100083, 28856709, 25262651).

Literature cited by the submitters: PubMed 29100083 (cited by Diagnostics Services (NGS), CSIR - Centre For Cellular And Molecular Biology); PubMed 28856709 (cited by Diagnostics Services (NGS), CSIR - Centre For Cellular And Molecular Biology); PubMed 25262651 (cited by Diagnostics Services (NGS), CSIR - Centre For Cellular And Molecular Biology).